The following is an entry in ClinVar:

ClinVar aggregate classification (germline): Uncertain significance (1 of 4 stars; one submission).

Conditions:
Hereditary cancer-predisposing syndrome. Also called: Tumor predisposition; Hereditary neoplastic syndrome; Hereditary Cancer Syndrome; Neoplastic Syndromes, Hereditary. Identifiers: Orphanet 140162, MedGen C0027672, MeSH D009386, MONDO:0015356.

gnomAD v4.1: 1 of 1,558,302 alleles (0.000064%); highest among the groups gnomAD compares: Non-Finnish European, 0.000087%; no homozygotes.

Submission:

Ambry Genetics
Classification: Uncertain significance for Hereditary cancer-predisposing syndrome. Last evaluated: 2025-03-20. Review status: criteria provided, single submitter. Criteria: Ambry Variant Classification Scheme 2023. Collection method: clinical testing. Allele origin: germline.
Comment: The p.E374G variant (also known as c.1121A>G), located in coding exon 8 of the POLD1 gene, results from an A to G substitution at nucleotide position 1121. The glutamic acid at codon 374 is replaced by glycine, an amino acid with similar properties. This amino acid position is conserved. In addition, this alteration is predicted to be deleterious by in silico analysis. Based on the available evidence, the clinical significance of this variant remains unclear.

NM_002691.4(POLD1):c.1121A>G (p.Glu374Gly)

Gene: POLD1 (DNA polymerase delta 1, catalytic subunit; plus strand). Cytogenetic location: 19q13.33.
Variant type: single nucleotide variant.
Coding change: c.1121A>G on transcript NM_002691.4 (MANE Select); coding-DNA position 1121, A replaced by G.
Protein change: p.Glu374Gly; replaces glutamic acid 374 with glycine.
Molecular consequence: missense variant. On other transcripts: non-coding transcript variant (1).
Genome position (GRCh38, 1-based): chr19:50,403,203, A>G. VCF-style: chr19-50403203-A-G. GRCh37 (hg19) VCF-style: chr19-50906460-A-G.
Other names: c.1121A>G, p.Glu374Gly (NM_001256849.1, NM_001308632.1); short protein forms E374G.
Identifiers: ClinVar variation 3935543 (VCV003935543.1).